The following is an entry in ClinVar:

NM_052845.4(MMAB):c.584+15G>A

Gene: MMAB (metabolism of cobalamin associated B; minus strand). Cytogenetic location: 12q24.11.
Variant type: single nucleotide variant.
Coding change: c.584+15G>A on transcript NM_052845.4 (MANE Select); 15 bases into the intron after coding-DNA position 584, G replaced by A.
Molecular consequence: intron variant.
Genome position (GRCh38, 1-based): chr12:109,561,025, C>T on the plus strand (G>A on the coding strand, the complement: MMAB is on the minus strand). VCF-style: chr12-109561025-C-T. GRCh37 (hg19) VCF-style: chr12-109998830-C-T.
Identifiers: ClinVar variation 512304 (VCV000512304.9), dbSNP rs750655720, ClinGen allele CA6778818.

ClinVar aggregate classification (germline): Conflicting classifications of pathogenicity. Review status: criteria provided, conflicting classifications (1 of 4 stars). 4 submissions from 4 submitters: Uncertain significance (1); Likely benign (3). Last evaluated 2026-01-12.

Conditions:
Methylmalonic aciduria, cblB type (MACB). Also called: Methylmalonic acidemia cblB type; Vitamin B12-responsive methylmalonic acidemia type cblB; METHYLMALONIC ACIDURIA, VITAMIN B12-RESPONSIVE, DUE TO DEFECT IN SYNTHESIS OF ADENOSYLCOBALAMIN, cblB TYPE. Identifiers: Orphanet 28, Orphanet 79311, MedGen C1855102, MONDO:0009614, OMIM 251110.

Allele frequency attached by ClinVar (database versions not stated): ExAC 0.00004; gnomAD 0.00007 and 0.00008; gnomAD exomes 0.00007 and 0.00013.
gnomAD v4.1: 198 of 1,595,068 alleles (0.012%); highest among the groups gnomAD compares: Admixed American, 0.02%; no homozygotes.

Submissions (4):

Labcorp Genetics (formerly Invitae), Labcorp
Classification: Likely benign for Methylmalonic aciduria, cblB type. Last evaluated: 2026-01-12. Review status: criteria provided, single submitter. Criteria: Invitae Variant Classification Sherloc (09022015). Collection method: clinical testing. Allele origin: germline.

Blueprint Genetics
Classification: Likely benign. Last evaluated: 2022-12-28. Review status: criteria provided, single submitter. Criteria: ACMG Guidelines, 2015. Collection method: clinical testing. Allele origin: germline.

Illumina Laboratory Services, Illumina
Classification: Uncertain significance for Methylmalonic aciduria, cblB type. Last evaluated: 2018-01-12. Review status: criteria provided, single submitter. Criteria: ICSL Variant Classification Criteria 13 December 2019. Collection method: clinical testing. Allele origin: germline.

GeneDx
Classification: Likely benign. Last evaluated: 2017-10-12. Review status: criteria provided, single submitter. Criteria: GeneDx Variant Classification (06012015). Collection method: clinical testing. Allele origin: germline. Affected: yes.
Comment: This variant is considered likely benign or benign based on one or more of the following criteria: it is a conservative change, it occurs at a poorly conserved position in the protein, it is predicted to be benign by multiple in silico algorithms, and/or has population frequency not consistent with disease.